The following is an entry in ClinVar:

ClinVar aggregate classification (germline): Uncertain significance (1 of 4 stars; one submission).

Conditions:
Microcephaly-intellectual disability-sensorineural hearing loss-epilepsy-abnormal muscle tone syndrome (NEDHSB). Also called: NEURODEVELOPMENTAL DISORDER WITH HEARING LOSS, SEIZURES, AND BRAIN ABNORMALITIES. Identifiers: Orphanet 457351, MedGen C4225276, MONDO:0014698, OMIM 616577.

gnomAD v4.1: 1 of 1,614,266 alleles (0.000062%); highest among the groups gnomAD compares: Non-Finnish European, 0.000085%; no homozygotes.

Submission:

Labcorp Genetics (formerly Invitae), Labcorp
Classification: Uncertain significance for Epilepsy, hearing loss, and mental retardation syndrome. Last evaluated: 2018-04-16. Review status: criteria provided, single submitter. Criteria: Invitae Variant Classification Sherloc (09022015). Collection method: clinical testing. Allele origin: germline.
Comment: This sequence change replaces serine with cysteine at codon 22 of the SPATA5 protein (p.Ser22Cys). The serine residue is moderately conserved and there is a moderate physicochemical difference between serine and cysteine. This variant is not present in population databases (ExAC no frequency). This variant has not been reported in the literature in individuals with SPATA5-related disease. Algorithms developed to predict the effect of missense changes on protein structure and function output the following: SIFT: "Deleterious"; PolyPhen-2: "Benign"; Align-GVGD: "Class C0". The cysteine amino acid residue is found in multiple mammalian species, suggesting that this missense change does not adversely affect protein function. These predictions have not been confirmed by published functional studies and their clinical significance is uncertain. In summary, the available evidence is currently insufficient to determine the role of this variant in disease. Therefore, it has been classified as a Variant of Uncertain Significance.

NM_145207.3(AFG2A):c.65C>G (p.Ser22Cys)

Gene: AFG2A (AFG2 AAA ATPase homolog A; plus strand). Cytogenetic location: 4q28.1.
Variant type: single nucleotide variant.
Coding change: c.65C>G on transcript NM_145207.3 (MANE Select); coding-DNA position 65, C replaced by G.
Protein change: p.Ser22Cys; replaces serine 22 with cysteine.
Molecular consequence: missense variant.
Genome position (GRCh38, 1-based): chr4:122,923,207, C>G. VCF-style: chr4-122923207-C-G. GRCh37 (hg19) VCF-style: chr4-123844362-C-G.
Other names: c.65C>G, p.Ser22Cys (NM_001317799.2, NM_001345856.2); short protein forms S22C.
Identifiers: ClinVar variation 566797 (VCV000566797.1), dbSNP rs1560780127, ClinGen allele CA358097123.